The following is an entry in ClinVar:

ClinVar aggregate classification (germline): Conflicting classifications of pathogenicity. Review status: criteria provided, conflicting classifications (1 of 4 stars). 3 submissions from 3 submitters: Uncertain significance (1); Likely benign (2). Last evaluated 2025-08-25.

Conditions:
Spastic paraplegia. Identifiers: MedGen C0037772, HP:0001258.

Allele frequency attached by ClinVar (database versions not stated): gnomAD exomes 0.00001 and 0.00003; TOPMed 0.00001; ExAC 0.00004.

Submissions (3):

Mayo Clinic Laboratories, Mayo Clinic
Classification: Likely benign. Last evaluated: 2025-08-25. Review status: criteria provided, single submitter. Criteria: ACMG Guidelines, 2015. Collection method: clinical testing. Allele origin: germline. Observed: 1 variant allele.
Comment: BP4, BP7

Athena Diagnostics
Classification: Uncertain significance. Last evaluated: 2025-02-05. Review status: criteria provided, single submitter. Criteria: Athena Diagnostics Criteria. Collection method: clinical testing. Allele origin: unknown.
Comment: Available data are insufficient to determine the clinical significance of the variant at this time. The frequency of this variant in the general population is uninformative in assessment of its pathogenicity. Computational tools yielded inconclusive predictions regarding the effect of this variant on RNA splicing.

Labcorp Genetics (formerly Invitae), Labcorp
Classification: Likely benign for Spastic paraplegia. Last evaluated: 2024-02-02. Review status: criteria provided, single submitter. Criteria: Invitae Variant Classification Sherloc (09022015). Collection method: clinical testing. Allele origin: germline.

NM_014363.6(SACS):c.259+9T>C

Gene: SACS (sacsin molecular chaperone; minus strand). Cytogenetic location: 13q12.12.
Variant type: single nucleotide variant.
Coding change: c.259+9T>C on transcript NM_014363.6 (MANE Select); 9 bases into the intron after coding-DNA position 259, T replaced by C.
Molecular consequence: intron variant.
Genome position (GRCh38, 1-based): chr13:23,371,069, A>G on the plus strand (T>C on the coding strand, the complement: SACS is on the minus strand). VCF-style: chr13-23371069-A-G. GRCh37 (hg19) VCF-style: chr13-23945208-A-G.
Other names: p.?; c.259+9T>C (NM_014363.4); c.-182-2582T>C (NM_001278055.2).
Identifiers: ClinVar variation 1644026 (VCV001644026.10), dbSNP rs780820263, ClinGen allele CA6912155.